The following is an entry in ClinVar:

ClinVar aggregate classification (germline): Uncertain significance (1 of 4 stars; one submission).

Conditions:
Catecholaminergic polymorphic ventricular tachycardia 1. Also called: VENTRICULAR TACHYCARDIA, STRESS-INDUCED POLYMORPHIC 1; VENTRICULAR TACHYCARDIA, CATECHOLAMINERGIC POLYMORPHIC, 1, WITH OR WITHOUT ATRIAL DYSFUNCTION AND/OR DILATED CARDIOMYOPATHY; RYR2-Related Catecholaminergic Polymorphic Ventricular Tachycardia. Identifiers: Orphanet 3286, MedGen C1631597, MONDO:0011484, OMIM 604772.

Submission:

Labcorp Genetics (formerly Invitae), Labcorp
Classification: Uncertain significance for Catecholaminergic polymorphic ventricular tachycardia 1. Last evaluated: 2023-08-19. Review status: criteria provided, single submitter. Criteria: Invitae Variant Classification Sherloc (09022015). Collection method: clinical testing. Allele origin: germline.
Comment: This variant is not present in population databases (gnomAD no frequency). This variant has not been reported in the literature in individuals affected with RYR2-related conditions. Advanced modeling of protein sequence and biophysical properties (such as structural, functional, and spatial information, amino acid conservation, physicochemical variation, residue mobility, and thermodynamic stability) performed at Invitae indicates that this missense variant is not expected to disrupt RYR2 protein function. In summary, the available evidence is currently insufficient to determine the role of this variant in disease. Therefore, it has been classified as a Variant of Uncertain Significance. This sequence change replaces lysine, which is basic and polar, with threonine, which is neutral and polar, at codon 1525 of the RYR2 protein (p.Lys1525Thr).

NM_001035.3(RYR2):c.4574A>C (p.Lys1525Thr)

Gene: RYR2 (ryanodine receptor 2; plus strand). Cytogenetic location: 1q43.
Variant type: single nucleotide variant.
Coding change: c.4574A>C on transcript NM_001035.3 (MANE Select); coding-DNA position 4574, A replaced by C.
Protein change: p.Lys1525Thr; replaces lysine 1525 with threonine.
Molecular consequence: missense variant.
Genome position (GRCh38, 1-based): chr1:237,595,635, A>C. VCF-style: chr1-237595635-A-C. GRCh37 (hg19) VCF-style: chr1-237758935-A-C.
Other names: short protein forms K1525T.
Identifiers: ClinVar variation 2753949 (VCV002753949.3), dbSNP rs2546655780, ClinGen allele CA345400678.